The following is an entry in ClinVar:

NM_001130965.3(SUN1):c.1580G>T (p.Gly527Val)

Gene: SUN1 (Sad1 and UNC84 domain containing 1; plus strand). Cytogenetic location: 7p22.3.
Variant type: single nucleotide variant.
Coding change: c.1580G>T on transcript NM_001130965.3 (MANE Select); coding-DNA position 1580, G replaced by T.
Protein change: p.Gly527Val; replaces glycine 527 with valine.
Molecular consequence: missense variant. On other transcripts: non-coding transcript variant (3).
Genome position (GRCh38, 1-based): chr7:860,183, G>T. VCF-style: chr7-860183-G-T. GRCh37 (hg19) VCF-style: chr7-899820-G-T.
Other names: p.Gly527Val; c.1271G>T, p.Gly424Val (NM_001171944.2); c.1580G>T, p.Gly527Val (NM_001367633.1, NM_001367634.1, NM_001367653.1); c.1229G>T, p.Gly410Val (NM_001367635.1); c.1820G>T, p.Gly607Val (NM_001367636.1, NM_001367691.1); c.1688G>T, p.Gly563Val (NM_001367638.1); c.1121G>T, p.Gly374Val (NM_001367639.1); c.1760G>T, p.Gly587Val (NM_001367640.1); and 44 more; short protein forms G527V, G338V, G410V, G471V, G476V, G494V, G505V, G536V.
Identifiers: ClinVar variation 461640 (VCV000461640.16), dbSNP rs77058871, ClinGen allele CA4112301.
Genomic context (GRCh38, chr7:860,183, plus strand): 5'-ACTAGGTGGACGTGCAAGTCAGAGAAATGGTGAAACTCCTGTTTTCCGAAGATCAGCAAG[G>T]CGGTTCTCTGGAACAGCTGCTGCAGAGGTTCTCATCACAGTTTGTGAGCAAAGGCGACTT-3'
Protein context (NP_001124437.1, residues 517-537): VKLLFSEDQQ[Gly527Val]GSLEQLLQRF

ClinVar aggregate classification (germline): Benign. Review status: criteria provided, multiple submitters, no conflicts (2 of 4 stars). 3 submissions from 3 submitters: Benign (2). 1 of the submissions does not count toward it. Last evaluated 2026-01-18.

Conditions:
SUN1-related disorder. Also called: SUN1-related condition.
Emery-Dreifuss muscular dystrophy (EDMD). Also called: Scapuloperoneal syndrome, X-linked (formerly); Humeroperoneal neuromuscular disease, (formerly). Identifiers: Orphanet 261, MedGen C0410189, MONDO:0016830.

Allele frequency attached by ClinVar (database versions not stated): ESP Exome Variant Server 0.00008; gnomAD exomes 0.00303 and 0.01043; gnomAD 0.00335 and 0.00473; TOPMed 0.00595; ExAC 0.00966; 1000 Genomes Project 30x 0.02670; 1000 Genomes Project 0.02855.
gnomAD v4.1: 5,330 of 1,614,216 alleles (0.33%); highest among the groups gnomAD compares: East Asian, 10%; 309 homozygotes.

Submissions (3):

Labcorp Genetics (formerly Invitae), Labcorp
Classification: Benign for Emery-Dreifuss muscular dystrophy. Last evaluated: 2026-01-18. Review status: criteria provided, single submitter. Criteria: Invitae Variant Classification Sherloc (09022015). Collection method: clinical testing. Allele origin: germline.

Mayo Clinic Laboratories, Mayo Clinic
Classification: Benign. Last evaluated: 2023-06-19. Review status: criteria provided, single submitter. Criteria: ACMG Guidelines, 2015. Collection method: clinical testing. Allele origin: germline. Observed: 3 variant alleles.

PreventionGenetics, part of Exact Sciences
Classification: Benign for SUN1-related condition. Last evaluated: 2019-09-30. Review status: no assertion criteria provided. Collection method: clinical testing. Allele origin: germline. Not counted in ClinVar's aggregate classification.
Comment: This variant is classified as benign based on ACMG/AMP sequence variant interpretation guidelines (Richards et al. 2015 PMID: 25741868, with internal and published modifications).